The following is an entry in ClinVar:

NM_001267550.2(TTN):c.48239A>G (p.Asp16080Gly)

Genes: TTN (titin; minus strand), TTN-AS1 (TTN antisense RNA 1; plus strand). Cytogenetic location: 2q31.2.
Variant type: single nucleotide variant.
Coding change: c.48239A>G on transcript NM_001267550.2 (MANE Select); coding-DNA position 48239, A replaced by G.
Protein change: p.Asp16080Gly; replaces aspartic acid 16080 with glycine.
Molecular consequence: missense variant.
Genome position (GRCh38, 1-based): chr2:178,616,552, T>C on the plus strand (A>G on the coding strand, the complement: TTN is on the minus strand). VCF-style: chr2-178616552-T-C. GRCh37 (hg19) VCF-style: chr2-179481279-T-C.
Other names: c.43316A>G, p.Asp14439Gly (NM_001256850.1); c.21044A>G, p.Asp7015Gly (NM_003319.4); c.40535A>G, p.Asp13512Gly (NM_133378.4); c.21419A>G, p.Asp7140Gly (NM_133432.3); c.21620A>G, p.Asp7207Gly (NM_133437.4); short protein forms D13512G, D14439G, D16080G, D7015G, D7140G, D7207G.
Identifiers: ClinVar variation 4685113 (VCV004685113.1).
Genomic context (GRCh38, chr2:178,616,552, plus strand): 5'-TTCCGGCTGACTTCTCGTTTTTCAACAACGTATCCAGTTAACGGACTTCCTCCATCATCA[T>C]CAGGTGGTTCCCAAGTCAAATGTACTGAGTCCTTGGTTATATCACCAAATTTCAATTCTT-3'
Protein context (NP_001254479.2, residues 16070-16090): DSVHLTWEPP[Asp16080Gly]DDGGSPLTGY

ClinVar aggregate classification (germline): Uncertain significance (1 of 4 stars; one submission).

gnomAD v4.1: 4 of 1,612,354 alleles (0.00025%); highest among the groups gnomAD compares: Admixed American, 0.0017%; no homozygotes.

Submission:

GeneDx
Classification: Uncertain significance. Last evaluated: 2025-07-09. Review status: criteria provided, single submitter. Criteria: GeneDx Variant Classification Process June 2021. Collection method: clinical testing. Allele origin: germline. Affected: yes.
Comment: Not observed at significant frequency in large population cohorts (gnomAD); Missense variant in a gene in which most reported pathogenic variants are truncating/loss of function; Has not been previously published as pathogenic or benign to our knowledge